The following is an entry in ClinVar:

ClinVar aggregate classification (germline): Benign/Likely benign. Review status: criteria provided, multiple submitters, no conflicts (2 of 4 stars). 15 submissions from 13 submitters: Benign (12); Likely benign (1). 2 of the submissions do not count toward it. Last evaluated 2026-02-04.

Conditions:
Malignant hyperthermia, susceptibility to, 1 (MHS1). Also called: Malignant hyperthermia suceptibility 1; Anesthesia related hyperthermia; Malignant hyperpyrexia; Fulminating hyperpyrexia; Pharmacogenic myopathy; RYR1-Related Malignant Hyperthermia Susceptibility. Identifiers: Orphanet 423, MedGen C2930980, MONDO:0007783, OMIM 145600.
Congenital multicore myopathy with external ophthalmoplegia (CMYO1B). Also called: MULTIMINICORE DISEASE WITH EXTERNAL OPHTHALMOPLEGIA; MULTICORE MYOPATHY; Minicore myopathy with external ophthalmoplegia; Congenital myopathy 1B, autosomal recessive; Minicore myopathy. Identifiers: Orphanet 598, Orphanet 98905, MedGen C1850674, MONDO:0009712, OMIM 255320, HP:0003789.
Central core myopathy (CMYO1A). Also called: CONGENITAL MYOPATHY 1A, AUTOSOMAL DOMINANT, WITH SUSCEPTIBILITY TO MALIGNANT HYPERTHERMIA; Central core disease; Myopathy, central fibrillar. Identifiers: Orphanet 597, MedGen C5830701, MONDO:0007294, OMIM 117000.
RYR1-related disorder. Also called: RYR1-related condition; RYR1-related disorders. Identifiers: MedGen CN239331.

Allele frequency attached by ClinVar (database versions not stated): gnomAD exomes 0.05489 and 0.06771; ESP Exome Variant Server 0.05675; TOPMed 0.06315; gnomAD 0.06536 and 0.06653; ExAC 0.07188; 1000 Genomes Project 30x 0.08292; 1000 Genomes Project 0.08446.
gnomAD v4.1: 90,125 of 1,600,574 alleles (5.6%); highest among the groups gnomAD compares: East Asian, 13%; 2,923 homozygotes.

Submissions (15):

Labcorp Genetics (formerly Invitae), Labcorp
Classification: Benign for RYR1-related disorder. Last evaluated: 2026-02-04. Review status: criteria provided, single submitter. Criteria: Invitae Variant Classification Sherloc (09022015). Collection method: clinical testing. Allele origin: germline.

Blueprint Genetics
Classification: Likely benign. Last evaluated: 2024-11-28. Review status: criteria provided, single submitter. Criteria: ACMG Guidelines, 2015. Collection method: clinical testing. Allele origin: germline.

Color Diagnostics, LLC DBA Color Health
Classification: Benign for Malignant hyperthermia, susceptibility to, 1. Last evaluated: 2019-03-29. Review status: criteria provided, single submitter. Criteria: ACMG Guidelines, 2015. Collection method: clinical testing. Allele origin: germline.

PreventionGenetics, part of Exact Sciences
Classification: Benign. Last evaluated: 2018-03-29. Review status: criteria provided, single submitter. Criteria: ACMG Guidelines, 2015. Collection method: clinical testing. Allele origin: germline.

Illumina Laboratory Services, Illumina
Classification: Benign for Congenital multicore myopathy with external ophthalmoplegia. Last evaluated: 2018-01-13. Review status: criteria provided, single submitter. Criteria: ICSL Variant Classification Criteria 13 December 2019. Collection method: clinical testing. Allele origin: germline.
Comment: This variant was observed in the ICSL laboratory as part of a predisposition screen in an ostensibly healthy population. It had not been previously curated by ICSL or reported in the Human Gene Mutation Database (HGMD: prior to June 1st, 2018), and was therefore a candidate for classification through an automated scoring system. Utilizing variant allele frequency, disease prevalence and penetrance estimates, and inheritance mode, an automated score was calculated to assess if this variant is too frequent to cause the disease. Based on the score and internal cut-off values, a variant classified as benign is not then subjected to further curation. The score for this variant resulted in a classification of benign for this disease.

Illumina Laboratory Services, Illumina
Classification: Benign for Central core myopathy. Last evaluated: 2018-01-13. Review status: criteria provided, single submitter. Criteria: ICSL Variant Classification Criteria 13 December 2019. Collection method: clinical testing. Allele origin: germline.
Comment: the same text as in the submission from Illumina Laboratory Services, Illumina above.

Illumina Laboratory Services, Illumina
Classification: Benign for Malignant hyperthermia, susceptibility to, 1. Last evaluated: 2018-01-13. Review status: criteria provided, single submitter. Criteria: ICSL Variant Classification Criteria 13 December 2019. Collection method: clinical testing. Allele origin: germline.
Comment: the same text as in the submission from Illumina Laboratory Services, Illumina above.

Mayo Clinic Laboratories, Mayo Clinic
Classification: Benign. Last evaluated: 2017-08-24. Review status: criteria provided, single submitter. Criteria: ACMG Guidelines, 2015. Collection method: clinical testing. Allele origin: germline. Observed: 85 variant alleles.

GeneDx
Classification: Benign. Last evaluated: 2015-09-28. Review status: criteria provided, single submitter. Criteria: GeneDx Variant Classification (06012015). Collection method: clinical testing. Allele origin: germline. Affected: yes.
Comment: This variant is considered likely benign or benign based on one or more of the following criteria: it is a conservative change, it occurs at a poorly conserved position in the protein, it is predicted to be benign by multiple in silico algorithms, and/or has population frequency not consistent with disease.

Laboratory for Molecular Medicine, Mass General Brigham Personalized Medicine
Classification: Benign. Last evaluated: 2015-01-13. Review status: criteria provided, single submitter. Criteria: LMM Criteria. Collection method: clinical testing. Allele origin: germline. Observed: 1 variant allele.
Comment: p.Cys2363Cys in exon 44 of RYR1: This variant is not expected to have clinical s ignificance because it does not alter an amino acid residue and is not located w ithin the splice consensus sequence. It has been identified in 5.7% (490/8598) o f European American chromosomes from a broad population by the NHLBI Exome Seque ncing Project (dbSNP rs2228071).

Genetic Services Laboratory, University of Chicago
Classification: Benign. Last evaluated: 2013-08-15. Review status: criteria provided, single submitter. Criteria: ACMG Guidelines, 2007. Collection method: clinical testing. Allele origin: germline. Inheritance: Autosomal unknown.

Eurofins Ntd Llc (ga)
Classification: Benign. Last evaluated: 2013-05-07. Review status: criteria provided, single submitter. Criteria: EGL Classification Definitions 2015. Collection method: clinical testing. Allele origin: germline. Observed: 6 variant alleles, 6 heterozygotes.

Breakthrough Genomics
Classification: Benign. Review status: criteria provided, single submitter. Criteria: ACMG Guidelines, 2015. Collection method: not provided. Allele origin: germline. Inheritance: Autosomal recessive inheritance. Affected: yes.

Department of Pathology and Laboratory Medicine, Sinai Health System
Classification: Uncertain significance. Review status: no assertion criteria provided. Collection method: clinical testing. Allele origin: unknown. Affected: yes. Study: The Canadian Open Genetics Repository (COGR). Not counted in ClinVar's aggregate classification.
Comment: Allele frequency is common in at least one population database (frequency: 13.989% in ExAC) based on the frequency threshold of 2.223% for this gene. Variant was observed in a homozygous state in population databases more than expected for disease. A synonymous variant not located in a splice region.

RYR1 database
No classification provided. Review status: no classification provided. Collection method: not provided. Allele origin: unknown. Not counted in ClinVar's aggregate classification.

NM_000540.3(RYR1):c.7089C>T (p.Cys2363=)

Gene: RYR1 (ryanodine receptor 1; plus strand). Cytogenetic location: 19q13.2.
Variant type: single nucleotide variant.
Coding change: c.7089C>T on transcript NM_000540.3 (MANE Select); coding-DNA position 7089, C replaced by T.
Protein change: p.Cys2363=; no amino-acid change (cysteine 2363 retained).
Molecular consequence: synonymous variant.
Genome position (GRCh38, 1-based): chr19:38,499,696, C>T. VCF-style: chr19-38499696-C-T. GRCh37 (hg19) VCF-style: chr19-38990336-C-T.
Other names: p.Cys2363=; c.7089C>T, p.Cys2363= (NM_001042723.2).
Identifiers: ClinVar variation 93284 (VCV000093284.30), dbSNP rs2228071, ClinGen allele CA024700.